The following is an entry in ClinVar:

ClinVar aggregate classification (germline): Uncertain significance. Review status: criteria provided, multiple submitters, no conflicts (2 of 4 stars). 2 submissions from 2 submitters: Uncertain significance (2). Last evaluated 2026-01-09.

Conditions:
Inborn genetic diseases. Identifiers: MedGen C0950123, MeSH D030342.

Allele frequency attached by ClinVar (database versions not stated): gnomAD exomes 0.00002 and 0.00007; gnomAD 0.00009; TOPMed 0.00010.
gnomAD v4.1: 27 of 1,583,802 alleles (0.0017%); highest among the groups gnomAD compares: Admixed American, 0.048%; no homozygotes.

Submissions (2):

Labcorp Genetics (formerly Invitae), Labcorp
Classification: Uncertain significance. Last evaluated: 2026-01-09. Review status: criteria provided, single submitter. Criteria: Invitae Variant Classification Sherloc (09022015). Collection method: clinical testing. Allele origin: germline.
Comment: This sequence change replaces aspartic acid, which is acidic and polar, with glycine, which is neutral and non-polar, at codon 338 of the TCIRG1 protein (p.Asp338Gly). This variant is present in population databases (no rsID available, gnomAD 0.05%). This variant has not been reported in the literature in individuals affected with TCIRG1-related conditions. ClinVar contains an entry for this variant (Variation ID: 1445751). Invitae Evidence Modeling of protein sequence and biophysical properties (such as structural, functional, and spatial information, amino acid conservation, physicochemical variation, residue mobility, and thermodynamic stability) indicates that this missense variant is not expected to disrupt TCIRG1 protein function with a negative predictive value of 80%. In summary, the available evidence is currently insufficient to determine the role of this variant in disease. Therefore, it has been classified as a Variant of Uncertain Significance.

Ambry Genetics
Classification: Uncertain significance for Inborn genetic diseases. Last evaluated: 2024-02-27. Review status: criteria provided, single submitter. Criteria: Ambry Variant Classification Scheme 2023. Collection method: clinical testing. Allele origin: germline.

NM_006019.4(TCIRG1):c.1013A>G (p.Asp338Gly)

Gene: TCIRG1 (T cell immune regulator 1, ATPase H+ transporting V0 subunit a3; plus strand). Cytogenetic location: 11q13.2.
Variant type: single nucleotide variant.
Coding change: c.1013A>G on transcript NM_006019.4 (MANE Select); coding-DNA position 1013, A replaced by G.
Protein change: p.Asp338Gly; replaces aspartic acid 338 with glycine.
Molecular consequence: missense variant.
Genome position (GRCh38, 1-based): chr11:68,044,337, A>G. VCF-style: chr11-68044337-A-G. GRCh37 (hg19) VCF-style: chr11-67811804-A-G.
Other names: c.119A>G, p.Asp40Gly (NM_001351059.2); c.365A>G, p.Asp122Gly (NM_006053.4); c.1013A>G (NM_006019.3); short protein forms D122G, D338G, D40G.
Identifiers: ClinVar variation 1445751 (VCV001445751.6), dbSNP rs1485751585, ClinGen allele CA381580922.